The following is an entry in ClinVar:

ClinVar aggregate classification (germline): Pathogenic (1 of 4 stars; one submission).

Conditions:
Ehlers-Danlos syndrome, dermatosparaxis type. Also called: EDS VIIC; Dermatosparaxis; Ehlers-Danlos syndrome, type VII, autosomal recessive. Identifiers: Orphanet 1901, MedGen C2700425, MONDO:0009161, OMIM 225410.

Submission:

Myriad Genetics, Inc.
Classification: Pathogenic for Ehlers-Danlos syndrome, dermatosparaxis type. Last evaluated: 2023-09-10. Review status: criteria provided, single submitter. Criteria: Myriad Autosomal Dominant, Autosomal Recessive and X-Linked Classification Criteria (2023). Collection method: clinical testing. Allele origin: unknown.
Comment: NM_014244.4(ADAMTS2):c.356_363del8ins1(D119Gfs*44) is expected to be pathogenic in the context of Ehlers-Danlos syndrome, ADAMTS2-related. This variant is predicted to lead to an abnormal or absent protein product due to the creation of a premature termination codon in ADAMTS2, a gene where loss-of-function variants are known to be pathogenic. Please note: this variant was assessed in the context of healthy population screening.

NM_014244.5(ADAMTS2):c.356_363delinsG (p.Asp119fs)

Gene: ADAMTS2 (ADAM metallopeptidase with thrombospondin type 1 motif 2; minus strand). Cytogenetic location: 5q35.3.
Variant type: Indel.
Coding change: c.356_363delinsG on transcript NM_014244.5 (MANE Select); coding-DNA positions 356 to 363, ACCTGCAC replaced by G.
Protein change: p.Asp119fs; shifts the reading frame from aspartic acid 119.
Molecular consequence: frameshift variant.
Genome position (GRCh38, 1-based): chr5:179,343,938-179,343,945, GTGCAGGT replaced by C on the plus strand (ACCTGCAC replaced by G on the coding strand, the reverse complement: ADAMTS2 is on the minus strand). VCF-style: chr5-179343938-GTGCAGGT-C. GRCh37 (hg19) VCF-style: chr5-178770939-GTGCAGGT-C.
Other names: c.356_363delinsG, p.Asp119fs (NM_021599.4); short protein forms D119fs.
Identifiers: ClinVar variation 5011634 (VCV005011634.1).